The following is an entry in ClinVar:

ClinVar aggregate classification (germline): Uncertain significance. Review status: criteria provided, multiple submitters, no conflicts (2 of 4 stars). 3 submissions from 3 submitters: Uncertain significance (3). Last evaluated 2025-04-11.

Conditions:
Inborn genetic diseases. Identifiers: MedGen C0950123, MeSH D030342.

Allele frequency attached by ClinVar (database versions not stated): gnomAD 0.00001; ExAC 0.00002; gnomAD exomes 0.00002 and 0.00007; TOPMed 0.00002.
gnomAD v4.1: 79 of 1,211,350 alleles (0.0065%); highest among the groups gnomAD compares: Non-Finnish European, 0.008%; no homozygotes.

Submissions (3):

Ambry Genetics
Classification: Uncertain significance for Inborn genetic diseases. Last evaluated: 2025-04-11. Review status: criteria provided, single submitter. Criteria: Ambry Variant Classification Scheme 2023. Collection method: clinical testing. Allele origin: germline.

Labcorp Genetics (formerly Invitae), Labcorp
Classification: Uncertain significance. Last evaluated: 2021-09-02. Review status: criteria provided, single submitter. Criteria: Invitae Variant Classification Sherloc (09022015). Collection method: clinical testing. Allele origin: germline.
Comment: This sequence change replaces arginine with glycine at codon 220 of the NSDHL protein (p.Arg220Gly). The arginine residue is weakly conserved and there is a moderate physicochemical difference between arginine and glycine. This variant is present in population databases (rs782454035, ExAC 0.004%). This variant has not been reported in the literature in individuals affected with NSDHL-related conditions. ClinVar contains an entry for this variant (Variation ID: 211751). Algorithms developed to predict the effect of missense changes on protein structure and function are either unavailable or do not agree on the potential impact of this missense change (SIFT: "Deleterious"; PolyPhen-2: "Benign"; Align-GVGD: "Class C0"). In summary, the available evidence is currently insufficient to determine the role of this variant in disease. Therefore, it has been classified as a Variant of Uncertain Significance.

Genetic Services Laboratory, University of Chicago
Classification: Uncertain significance. Last evaluated: 2014-07-18. Review status: criteria provided, single submitter. Criteria: ACMG Guidelines, 2015. Collection method: clinical testing. Allele origin: germline.

NM_015922.3(NSDHL):c.658A>G (p.Arg220Gly)

Gene: NSDHL (NAD(P) dependent 3-beta-hydroxysteroid dehydrogenase NSDHL; plus strand). Cytogenetic location: Xq28.
Variant type: single nucleotide variant.
Coding change: c.658A>G on transcript NM_015922.3 (MANE Select); coding-DNA position 658, A replaced by G.
Protein change: p.Arg220Gly; replaces arginine 220 with glycine.
Molecular consequence: missense variant.
Genome position (GRCh38, 1-based): chrX:152,865,933, A>G. VCF-style: chrX-152865933-A-G. GRCh37 (hg19) VCF-style: chrX-152034477-A-G.
Other names: c.658A>G, p.Arg220Gly (NM_001129765.2); short protein forms R220G.
Identifiers: ClinVar variation 211751 (VCV000211751.10), dbSNP rs782454035, ClinGen allele CA206026.
Genomic context (GRCh38, chrX:152,865,933, plus strand): 5'-CCTCATGGCATTTTCGGCCCAAGGGACCCGCAGTTGGTACCCATCCTCATCGAGGCAGCC[A>G]GGAACGGCAAGATGAAGTTCGTGATTGGGTGAGTCAGCCCACAGCGGCTCTTCCCTAGTC-3'
Protein context (NP_057006.1, residues 210-230): QLVPILIEAA[Arg220Gly]NGKMKFVIGN